The following is an entry in ClinVar:

ClinVar aggregate classification (germline): Uncertain significance (1 of 4 stars; one submission).

Submission:

Labcorp Genetics (formerly Invitae), Labcorp
Classification: Uncertain significance. Last evaluated: 2024-07-24. Review status: criteria provided, single submitter. Criteria: Invitae Variant Classification Sherloc (09022015). Collection method: clinical testing. Allele origin: germline.
Comment: This sequence change replaces lysine, which is basic and polar, with glutamine, which is neutral and polar, at codon 208 of the P4HB protein (p.Lys208Gln). This variant is not present in population databases (gnomAD no frequency). This variant has not been reported in the literature in individuals affected with P4HB-related conditions. An algorithm developed to predict the effect of missense changes on protein structure and function (PolyPhen-2) suggests that this variant is likely to be tolerated. In summary, the available evidence is currently insufficient to determine the role of this variant in disease. Therefore, it has been classified as a Variant of Uncertain Significance.

NM_000918.4(P4HB):c.622A>C (p.Lys208Gln)

Gene: P4HB (prolyl 4-hydroxylase subunit beta; minus strand). Cytogenetic location: 17q25.3.
Variant type: single nucleotide variant.
Coding change: c.622A>C on transcript NM_000918.4 (MANE Select); coding-DNA position 622, A replaced by C.
Protein change: p.Lys208Gln; replaces lysine 208 with glutamine.
Molecular consequence: missense variant.
Genome position (GRCh38, 1-based): chr17:81,855,144, T>G on the plus strand (A>C on the coding strand, the complement: P4HB is on the minus strand). VCF-style: chr17-81855144-T-G. GRCh37 (hg19) VCF-style: chr17-79813020-T-G.
Other names: short protein forms K208Q.
Identifiers: ClinVar variation 3660505 (VCV003660505.2).